The following is an entry in ClinVar:

ClinVar aggregate classification (germline): Pathogenic/Likely pathogenic. Review status: criteria provided, multiple submitters, no conflicts (2 of 4 stars). 2 submissions from 2 submitters: Pathogenic (1); Likely pathogenic (1). Last evaluated 2022-02-22.

Conditions:
Early-infantile DEE. Also called: Early infantile epileptic encephalopathy with suppression bursts; Early infantile epileptic encephalopathy; Ohtahara syndrome. Identifiers: Orphanet 1934, MedGen C0393706, MONDO:0800491.

Submissions (2):

GeneDx
Classification: Likely pathogenic. Last evaluated: 2022-02-22. Review status: criteria provided, single submitter. Criteria: GeneDx Variant Classification Process June 2021. Collection method: clinical testing. Allele origin: germline. Affected: yes.
Comment: Frameshift variant predicted to result in protein truncation or nonsense mediated decay in a gene for which loss-of-function is a known mechanism of disease; Not observed at significant frequency in large population cohorts (gnomAD); Has not been previously published as pathogenic or benign to our knowledge; This variant is associated with the following publications: (PMID: 14534157, 27779742, 23692823, 25959266, 26758118, 31440721)

Labcorp Genetics (formerly Invitae), Labcorp
Classification: Pathogenic for Early-infantile DEE. Last evaluated: 2022-02-06. Review status: criteria provided, single submitter. Criteria: Invitae Variant Classification Sherloc (09022015). Collection method: clinical testing. Allele origin: germline.
Comment: For these reasons, this variant has been classified as Pathogenic. ClinVar contains an entry for this variant (Variation ID: 644680). This variant has not been reported in the literature in individuals affected with KCNQ2-related conditions. This variant is not present in population databases (gnomAD no frequency). This sequence change creates a premature translational stop signal (p.Ser373Lysfs*28) in the KCNQ2 gene. It is expected to result in an absent or disrupted protein product. Loss-of-function variants in KCNQ2 are known to be pathogenic (PMID: 14534157, 23692823, 27779742).

Literature cited by the submitters: PubMed 14534157 (cited by Labcorp Genetics (formerly Invitae), Labcorp); PubMed 23692823 (cited by Labcorp Genetics (formerly Invitae), Labcorp); PubMed 27779742 (cited by Labcorp Genetics (formerly Invitae), Labcorp).

NM_172107.4(KCNQ2):c.1117dup (p.Ser373fs)

Gene: KCNQ2 (potassium voltage-gated channel subfamily Q member 2; minus strand). Cytogenetic location: 20q13.33.
Variant type: Duplication.
Coding change: c.1117dup on transcript NM_172107.4 (MANE Select); coding-DNA position 1117, one base duplicated (A; older notation c.1117dupA).
Protein change: p.Ser373fs; shifts the reading frame from serine 373.
Molecular consequence: frameshift variant.
Genome position (GRCh38, 1-based): chr20:63,433,810, T duplicated on the plus strand (A on the coding strand, the reverse complement: KCNQ2 is on the minus strand). VCF-style (leftmost placement, unchanged base first): chr20-63433809-C-CT. GRCh37 (hg19) VCF-style: chr20-62065162-C-CT.
Other names: c.1117dup, p.Arg373fs (NM_004518.6, NM_172109.3); c.1117dup, p.Ser373fs (NM_172106.3, NM_172108.5); c.1117dupA (NM_172107.2); c.1117dup (NM_172107.2); short protein forms S373fs, R373fs.
Identifiers: ClinVar variation 644680 (VCV000644680.10), dbSNP rs1600731888, ClinGen allele CA915952274.